The following is an entry in ClinVar:

NM_000447.3(PSEN2):c.1235C>T (p.Ala412Val)

Gene: PSEN2 (presenilin 2; plus strand). Cytogenetic location: 1q42.13.
Variant type: single nucleotide variant.
Coding change: c.1235C>T on transcript NM_000447.3 (MANE Select); coding-DNA position 1235, C replaced by T.
Protein change: p.Ala412Val; replaces alanine 412 with valine.
Molecular consequence: missense variant.
Genome position (GRCh38, 1-based): chr1:226,895,467, C>T. VCF-style: chr1-226895467-C-T. GRCh37 (hg19) VCF-style: chr1-227083168-C-T.
Other names: c.1232C>T, p.Ala411Val (NM_012486.3); short protein forms A411V, A412V.
Identifiers: ClinVar variation 3690658 (VCV003690658.2).

ClinVar aggregate classification (germline): Uncertain significance (1 of 4 stars; one submission).

Conditions:
Alzheimer disease 4 (AD4). Identifiers: Orphanet 1020, MedGen C1847200, MONDO:0011743, OMIM 606889.

Submission:

Labcorp Genetics (formerly Invitae), Labcorp
Classification: Uncertain significance for Alzheimer disease 4. Last evaluated: 2024-08-28. Review status: criteria provided, single submitter. Criteria: Invitae Variant Classification Sherloc (09022015). Collection method: clinical testing. Allele origin: germline.
Comment: This sequence change replaces alanine, which is neutral and non-polar, with valine, which is neutral and non-polar, at codon 412 of the PSEN2 protein (p.Ala412Val). This variant is present in population databases (rs775164469, gnomAD 0.006%). This variant has not been reported in the literature in individuals affected with PSEN2-related conditions. Invitae Evidence Modeling of protein sequence and biophysical properties (such as structural, functional, and spatial information, amino acid conservation, physicochemical variation, residue mobility, and thermodynamic stability) indicates that this missense variant is expected to disrupt PSEN2 protein function with a positive predictive value of 80%. In summary, the available evidence is currently insufficient to determine the role of this variant in disease. Therefore, it has been classified as a Variant of Uncertain Significance.